The following is an entry in ClinVar:

ClinVar aggregate classification (germline): Likely benign. Review status: criteria provided, multiple submitters, no conflicts (2 of 4 stars). 5 submissions from 5 submitters: Likely benign (5). Last evaluated 2026-02-01.

Conditions:
COL11A2-related disorder. Also called: COL11A2-related condition; COL11A2-related disorders.

Allele frequency attached by ClinVar (database versions not stated): gnomAD 0.00022; gnomAD exomes 0.00023 and 0.00033; TOPMed 0.00034; ExAC 0.00038; ESP Exome Variant Server 0.00056.

Submissions (5):

Labcorp Genetics (formerly Invitae), Labcorp
Classification: Likely benign. Last evaluated: 2026-02-01. Review status: criteria provided, single submitter. Criteria: Invitae Variant Classification Sherloc (09022015). Collection method: clinical testing. Allele origin: germline.

Blueprint Genetics
Classification: Likely benign. Last evaluated: 2024-11-26. Review status: criteria provided, single submitter. Criteria: ACMG Guidelines, 2015. Collection method: clinical testing. Allele origin: germline.

PreventionGenetics, part of Exact Sciences
Classification: Likely benign for COL11A2-related condition. Last evaluated: 2024-10-03. Review status: criteria provided, single submitter. Criteria: ACMG Guidelines, 2015. Collection method: clinical testing. Allele origin: germline.
Comment: This variant is classified as likely benign based on ACMG/AMP sequence variant interpretation guidelines (Richards et al. 2015 PMID: 25741868, with internal and published modifications).

Women's Health and Genetics/Laboratory Corporation of America, LabCorp
Classification: Likely benign. Last evaluated: 2024-03-20. Review status: criteria provided, single submitter. Criteria: LabCorp Variant Classification Summary - May 2015. Collection method: clinical testing. Allele origin: germline.
Comment: Variant summary: COL11A2 c.1819-18_1819-9del10 alters a nucleotide located at a position not widely known to affect splicing. Consensus agreement among computation tools predict no significant impact on normal splicing. However, these predictions have yet to be confirmed by functional studies. The variant allele was found at a frequency of 0.00033 in 245994 control chromosomes. This frequency does not allow conclusions about variant significance. To our knowledge, no occurrence of c.1819-18_1819-9del10 in individuals affected with COL11A2-Related Disorders and no experimental evidence demonstrating its impact on protein function have been reported. ClinVar contains an entry for this variant (Variation ID: 509181). Based on the evidence outlined above, the variant was classified as likely benign.

GeneDx
Classification: Likely benign. Last evaluated: 2020-11-17. Review status: criteria provided, single submitter. Criteria: GeneDx Variant Classification Process June 2021. Collection method: clinical testing. Allele origin: germline. Affected: yes.

NM_080680.3(COL11A2):c.1819-18_1819-9del

Gene: COL11A2 (collagen type XI alpha 2 chain; minus strand). Cytogenetic location: 6p21.32.
Variant type: Deletion.
Coding change: c.1819-18_1819-9del on transcript NM_080680.3 (MANE Select); 18 bases into the intron before coding-DNA position 1819 through 9 bases into the intron before coding-DNA position 1819, 10 bases deleted (CCCTCACCGT; older notation c.1819-18_1819-9delCCCTCACCGT).
Molecular consequence: intron variant.
Genome position (GRCh38, 1-based): chr6:33,178,194-33,178,203, ACGGTGAGGG deleted on the plus strand (CCCTCACCGT on the coding strand, the reverse complement: COL11A2 is on the minus strand). VCF-style (leftmost placement, unchanged base first): chr6-33178193-CACGGTGAGGG-C. GRCh37 (hg19) VCF-style: chr6-33145970-CACGGTGAGGG-C.
Other names: c.1819-18_1819-9del10 (NM_080680.3, NM_080680.2); c.1498-18_1498-9del (NM_080679.3); c.1561-18_1561-9del (NM_080681.3); c.1819-18_1819-9delCCCTCACCGT (NM_080680.2).
Identifiers: ClinVar variation 509181 (VCV000509181.15), dbSNP rs767645840, ClinGen allele CA3751178.